The following is an entry in ClinVar:

ClinVar aggregate classification (germline): Pathogenic (1 of 4 stars; one submission).

Submission:

Labcorp Genetics (formerly Invitae), Labcorp
Classification: Pathogenic. Last evaluated: 2022-10-24. Review status: criteria provided, single submitter. Criteria: Invitae Variant Classification Sherloc (09022015). Collection method: clinical testing. Allele origin: germline.
Comment: A gross deletion of the genomic region encompassing the full coding sequence of the MERTK gene has been identified. Loss-of-function variants in MERTK are known to be pathogenic (PMID: 24265693, 29659094). The boundaries of this event are unknown as they extend beyond the assayed region for this gene and therefore may encompass additional genes. Isolated whole-gene deletions of MERTK have not been reported in the literature. However, larger copy number events that include this gene have been reported (PMID: 30557390). For these reasons, this variant has been classified as Pathogenic.

Literature cited by the submitters: PubMed 24265693; PubMed 29659094; PubMed 30557390.

NC_000002.11:g.(?_112656313)_(112786441_?)del

Gene: MERTK (MER proto-oncogene, tyrosine kinase; plus strand). Cytogenetic location: 2q13.
Variant type: Deletion.
Identifiers: ClinVar variation 1072545 (VCV001072545.2).